The following is an entry in ClinVar:

NM_001378120.1(MBD5):c.1250T>C (p.Met417Thr)

Gene: MBD5 (methyl-CpG binding domain protein 5; plus strand). Cytogenetic location: 2q23.1.
Variant type: single nucleotide variant.
Coding change: c.1250T>C on transcript NM_001378120.1 (MANE Select); coding-DNA position 1250, T replaced by C.
Protein change: p.Met417Thr; replaces methionine 417 with threonine.
Molecular consequence: missense variant.
Genome position (GRCh38, 1-based): chr2:148,469,193, T>C. VCF-style: chr2-148469193-T-C. GRCh37 (hg19) VCF-style: chr2-149226762-T-C.
Other names: c.1250T>C, p.Met417Thr (NM_018328.5); short protein forms M417T.
Identifiers: ClinVar variation 1508320 (VCV001508320.8), dbSNP rs1574460069, ClinGen allele CA348719291.
Genomic context (GRCh38, chr2:148,469,193, plus strand): 5'-CTCCTGCTGTTGTTCCTTTGCCAAGTAATCTCCCATTGCCAACTGTAAAACCTGGTCACA[T>C]GAATCATGGGAGTCATGTACAAAGAGTTCAGCATTCAGCTTCAACCTCCCTGTCCCCTTC-3'
Protein context (NP_001365049.1, residues 407-427): LPLPTVKPGH[Met417Thr]NHGSHVQRVQ

ClinVar aggregate classification (germline): Uncertain significance (1 of 4 stars; one submission).

Conditions:
Intellectual developmental disorder, autosomal dominant 1. Also called: Intellectual disability, autosomal dominant 1; MBD5 Haploinsufficiency. Identifiers: Orphanet 228402, MedGen C1969562, MONDO:0007974, OMIM 156200.

Submission:

Labcorp Genetics (formerly Invitae), Labcorp
Classification: Uncertain significance for Intellectual developmental disorder, autosomal dominant 1. Last evaluated: 2021-02-07. Review status: criteria provided, single submitter. Criteria: Invitae Variant Classification Sherloc (09022015). Collection method: clinical testing. Allele origin: germline.
Comment: This variant has not been reported in the literature in individuals with MBD5-related conditions. Algorithms developed to predict the effect of missense changes on protein structure and function are either unavailable or do not agree on the potential impact of this missense change (SIFT: "Deleterious"; PolyPhen-2: "Benign"; Align-GVGD: "Class C25"). In summary, the available evidence is currently insufficient to determine the role of this variant in disease. Therefore, it has been classified as a Variant of Uncertain Significance. This variant is not present in population databases (ExAC no frequency). This sequence change replaces methionine with threonine at codon 417 of the MBD5 protein (p.Met417Thr). The methionine residue is highly conserved and there is a moderate physicochemical difference between methionine and threonine.